The following is an entry in ClinVar:

ClinVar aggregate classification (germline): Uncertain significance (1 of 4 stars; one submission).

Conditions:
Autosomal recessive limb-girdle muscular dystrophy type 2L (LGMDR12). Also called: Limb-Girdle Muscular Dystrophy R12 Anoctamin-5-Related (LGMD-R12); MUSCULAR DYSTROPHY, LIMB-GIRDLE, AUTOSOMAL RECESSIVE 12; Limb-girdle muscular dystrophy, type 2L. Identifiers: Orphanet 206549, MedGen C1969785, MONDO:0012652, OMIM 611307.
Gnathodiaphyseal dysplasia (GDD). Also called: GNATHODIAPHYSEAL SCLEROSIS; OSTEOGENESIS IMPERFECTA WITH UNUSUAL SKELETAL LESIONS. Identifiers: Orphanet 53697, MedGen C1833736, MONDO:0008151, OMIM 166260.

gnomAD v4.1: 7 of 1,613,192 alleles (0.00043%); highest among the groups gnomAD compares: Non-Finnish European, 0.00051%; no homozygotes.

Submission:

Labcorp Genetics (formerly Invitae), Labcorp
Classification: Uncertain significance for Autosomal recessive limb-girdle muscular dystrophy type 2L; Gnathodiaphyseal dysplasia. Last evaluated: 2023-06-09. Review status: criteria provided, single submitter. Criteria: Invitae Variant Classification Sherloc (09022015). Collection method: clinical testing. Allele origin: germline.
Comment: In summary, the available evidence is currently insufficient to determine the role of this variant in disease. Therefore, it has been classified as a Variant of Uncertain Significance. An algorithm developed to predict the effect of missense changes on protein structure and function (PolyPhen-2) suggests that this variant is likely to be tolerated. This variant has not been reported in the literature in individuals affected with ANO5-related conditions. This variant is present in population databases (rs750235317, gnomAD 0.0009%). This sequence change replaces proline, which is neutral and non-polar, with leucine, which is neutral and non-polar, at codon 47 of the ANO5 protein (p.Pro47Leu).

NM_213599.3(ANO5):c.140C>T (p.Pro47Leu)

Gene: ANO5 (anoctamin 5; plus strand). Cytogenetic location: 11p14.3.
Variant type: single nucleotide variant.
Coding change: c.140C>T on transcript NM_213599.3 (MANE Select); coding-DNA position 140, C replaced by T.
Protein change: p.Pro47Leu; replaces proline 47 with leucine.
Molecular consequence: missense variant. On other transcripts: intron variant (2).
Genome position (GRCh38, 1-based): chr11:22,218,247, C>T. VCF-style: chr11-22218247-C-T. GRCh37 (hg19) VCF-style: chr11-22239793-C-T.
Other names: c.136-2850C>T (NM_001410964.1); c.137C>T, p.Pro46Leu (NM_001142649.2); c.139-2850C>T (NM_001410963.1); short protein forms P47L, P46L.
Identifiers: ClinVar variation 2929769 (VCV002929769.3), dbSNP rs750235317, ClinGen allele CA5922817.